The following is an entry in ClinVar:

ClinVar aggregate classification (germline): Benign/Likely benign. Review status: criteria provided, multiple submitters, no conflicts (2 of 4 stars). 6 submissions from 6 submitters: Benign (1); Likely benign (5). Last evaluated 2026-01-27.

Conditions:
Inborn genetic diseases. Identifiers: MedGen C0950123, MeSH D030342.
Dyskeratosis congenita, autosomal recessive 5 (DKCB5). Identifiers: MedGen C3554656, MONDO:0014076, OMIM 615190.
Pulmonary fibrosis and/or bone marrow failure, Telomere-related, 3. Also called: PULMONARY FIBROSIS AND/OR BONE MARROW FAILURE SYNDROME, TELOMERE-RELATED, 3. Identifiers: Orphanet 2032, MedGen C4225346, MONDO:0014613, OMIM 616373.
Dyskeratosis congenita. Identifiers: Orphanet 1775, MedGen C0265965, MONDO:0015780.

Allele frequency attached by ClinVar (database versions not stated): 1000 Genomes Project 0.00140; ESP Exome Variant Server 0.00146; 1000 Genomes Project 30x 0.00156; gnomAD exomes 0.00041; ExAC 0.00047; gnomAD 0.00120 and 0.00128; TOPMed 0.00127.
gnomAD v4.1: 334 of 1,553,716 alleles (0.021%); highest among the groups gnomAD compares: African/African-American, 0.41%; no homozygotes.

Submissions (6):

Labcorp Genetics (formerly Invitae), Labcorp
Classification: Benign for Dyskeratosis congenita, autosomal recessive 5; Pulmonary fibrosis and/or bone marrow failure, Telomere-related, 3. Last evaluated: 2026-01-27. Review status: criteria provided, single submitter. Criteria: Invitae Variant Classification Sherloc (09022015). Collection method: clinical testing. Allele origin: germline.

CeGaT Center for Human Genetics Tuebingen
Classification: Likely benign. Last evaluated: 2025-02-01. Review status: criteria provided, single submitter. Criteria: CeGaT Center For Human Genetics Tuebingen Variant Classification Criteria Version 2. Collection method: clinical testing. Allele origin: germline. Affected: yes. Observed: 1 variant allele.
Comment: RTEL1: BP4, BP7

Blueprint Genetics
Classification: Likely benign. Last evaluated: 2024-06-11. Review status: criteria provided, single submitter. Criteria: ACMG Guidelines, 2015. Collection method: clinical testing. Allele origin: germline.

Ambry Genetics
Classification: Likely benign for Inborn genetic diseases. Last evaluated: 2024-05-30. Review status: criteria provided, single submitter. Criteria: Ambry Variant Classification Scheme 2023. Collection method: clinical testing. Allele origin: germline.

Sema4
Classification: Likely benign for Dyskeratosis congenita. Last evaluated: 2021-02-08. Review status: criteria provided, single submitter. Criteria: Sema4 Curation Guidelines. Collection method: curation. Allele origin: germline.

Genetic Services Laboratory, University of Chicago
Classification: Likely benign. Last evaluated: 2017-02-22. Review status: criteria provided, single submitter. Criteria: ACMG Guidelines, 2015. Collection method: clinical testing. Allele origin: germline. Affected: no.

NM_001283009.2(RTEL1):c.3561G>A (p.Gln1187=)

Genes: RTEL1 (regulator of telomere elongation helicase 1; plus strand), RTEL1-TNFRSF6B (RTEL1-TNFRSF6B readthrough (NMD candidate); plus strand). Cytogenetic location: 20q13.33.
Variant type: single nucleotide variant.
Coding change: c.3561G>A on transcript NM_001283009.2 (MANE Select); coding-DNA position 3561, G replaced by A.
Protein change: p.Gln1187=; no amino-acid change (glutamine 1187 retained).
Molecular consequence: synonymous variant. On other transcripts: non-coding transcript variant (1).
Genome position (GRCh38, 1-based): chr20:63,695,389, G>A. VCF-style: chr20-63695389-G-A. GRCh37 (hg19) VCF-style: chr20-62326742-G-A.
Other names: c.3633G>A (NM_032957.4); c.2892G>A, p.Gln964= (NM_001283010.1); c.3561G>A, p.Gln1187= (NM_016434.4); c.3633G>A, p.Gln1211= (NM_032957.5).
Identifiers: ClinVar variation 436579 (VCV000436579.31), dbSNP rs138074015, ClinGen allele CA9966124.